The following is an entry in ClinVar:

NM_001365088.1(SLC12A6):c.1220G>T (p.Gly407Val)

Gene: SLC12A6 (solute carrier family 12 member 6; minus strand). Cytogenetic location: 15q14.
Variant type: single nucleotide variant.
Coding change: c.1220G>T on transcript NM_001365088.1 (MANE Select); coding-DNA position 1220, G replaced by T.
Protein change: p.Gly407Val; replaces glycine 407 with valine.
Molecular consequence: missense variant.
Genome position (GRCh38, 1-based): chr15:34,252,283, C>A on the plus strand (G>T on the coding strand, the complement: SLC12A6 is on the minus strand). VCF-style: chr15-34252283-C-A. GRCh37 (hg19) VCF-style: chr15-34544484-C-A.
Other names: c.1043G>T, p.Gly348Val (NM_001042494.2, NM_001042495.2); c.1193G>T, p.Gly398Val (NM_001042496.2); c.1175G>T, p.Gly392Val (NM_001042497.2); c.1067G>T, p.Gly356Val (NM_005135.2); c.1220G>T, p.Gly407Val (NM_133647.2); short protein forms G398V, G407V, G348V, G392V, G356V.
Identifiers: ClinVar variation 2141923 (VCV002141923.5), dbSNP rs202183544, ClinGen allele CA7464356.

ClinVar aggregate classification (germline): Uncertain significance. Review status: criteria provided, multiple submitters, no conflicts (2 of 4 stars). 2 submissions from 2 submitters: Uncertain significance (2). Last evaluated 2026-01-19.

Conditions:
Inborn genetic diseases. Identifiers: MedGen C0950123, MeSH D030342.

Allele frequency attached by ClinVar (database versions not stated): ExAC 0.00002; TOPMed 0.00003; gnomAD 0.00004; 1000 Genomes Project 0.00020; 1000 Genomes Project 30x 0.00031.
gnomAD v4.1: 21 of 1,603,834 alleles (0.0013%); highest among the groups gnomAD compares: Middle Eastern, 0.017%; no homozygotes.

Submissions (2):

Labcorp Genetics (formerly Invitae), Labcorp
Classification: Uncertain significance. Last evaluated: 2026-01-19. Review status: criteria provided, single submitter. Criteria: Invitae Variant Classification Sherloc (09022015). Collection method: clinical testing. Allele origin: germline.
Comment: This sequence change replaces glycine, which is neutral and non-polar, with valine, which is neutral and non-polar, at codon 407 of the SLC12A6 protein (p.Gly407Val). This variant is present in population databases (rs202183544, gnomAD 0.009%). This variant has not been reported in the literature in individuals affected with SLC12A6-related conditions. ClinVar contains an entry for this variant (Variation ID: 2141923). Invitae Evidence Modeling of protein sequence and biophysical properties (such as structural, functional, and spatial information, amino acid conservation, physicochemical variation, residue mobility, and thermodynamic stability) indicates that this missense variant is not expected to disrupt SLC12A6 protein function with a negative predictive value of 80%. In summary, the available evidence is currently insufficient to determine the role of this variant in disease. Therefore, it has been classified as a Variant of Uncertain Significance.

Ambry Genetics
Classification: Uncertain significance for Inborn genetic diseases. Last evaluated: 2025-04-13. Review status: criteria provided, single submitter. Criteria: Ambry Variant Classification Scheme 2023. Collection method: clinical testing. Allele origin: germline.